The following is an entry in ClinVar:

NM_001042492.3(NF1):c.4933C>T (p.Leu1645Phe)

Gene: NF1 (neurofibromin 1; plus strand). Cytogenetic location: 17q11.2.
Variant type: single nucleotide variant.
Coding change: c.4933C>T on transcript NM_001042492.3 (MANE Select); coding-DNA position 4933, C replaced by T.
Protein change: p.Leu1645Phe; replaces leucine 1645 with phenylalanine.
Molecular consequence: missense variant.
Genome position (GRCh38, 1-based): chr17:31,325,917, C>T. VCF-style: chr17-31325917-C-T. GRCh37 (hg19) VCF-style: chr17-29652935-C-T.
Other names: c.4870C>T, p.Leu1624Phe (NM_000267.4); short protein forms L1624F, L1645F.
Identifiers: ClinVar variation 3716612 (VCV003716612.3).

ClinVar aggregate classification (germline): Uncertain significance. Review status: criteria provided, multiple submitters, no conflicts (2 of 4 stars). 2 submissions from 2 submitters: Uncertain significance (2). Last evaluated 2025-10-16.

Conditions:
Hereditary cancer-predisposing syndrome. Also called: Neoplastic Syndromes, Hereditary; Hereditary Cancer Syndrome; Hereditary neoplastic syndrome; Tumor predisposition. Identifiers: Orphanet 140162, MedGen C0027672, MeSH D009386, MONDO:0015356.
Cardiovascular phenotype. Identifiers: MedGen CN230736.
Neurofibromatosis, type 1 (NF1). Also called: VON RECKLINGHAUSEN DISEASE; NEUROFIBROMATOSIS, TYPE I, SOMATIC; Peripheral type neurofibromatosis; Neurofibromatosis, type I. Identifiers: Orphanet 636, MedGen C0027831, MONDO:0018975, OMIM 162200. Disease mechanism: loss of function.

Submissions (2):

Ambry Genetics
Classification: Uncertain significance for Cardiovascular phenotype; Hereditary cancer-predisposing syndrome. Last evaluated: 2025-10-16. Review status: criteria provided, single submitter. Criteria: Ambry Variant Classification Scheme 2023. Collection method: clinical testing. Allele origin: germline.
Comment: The p.L1624F variant (also known as c.4870C>T), located in coding exon 36 of the NF1 gene, results from a C to T substitution at nucleotide position 4870. The leucine at codon 1624 is replaced by phenylalanine, an amino acid with highly similar properties. This amino acid position is highly conserved in available vertebrate species. In addition, the in silico prediction for this alteration is inconclusive. Based on the available evidence, the clinical significance of this variant remains unclear.

Labcorp Genetics (formerly Invitae), Labcorp
Classification: Uncertain significance for Neurofibromatosis, type 1. Last evaluated: 2025-03-20. Review status: criteria provided, single submitter. Criteria: Invitae Variant Classification Sherloc (09022015). Collection method: clinical testing. Allele origin: germline.
Comment: This sequence change replaces leucine, which is neutral and non-polar, with phenylalanine, which is neutral and non-polar, at codon 1624 of the NF1 protein (p.Leu1624Phe). This variant is not present in population databases (gnomAD no frequency). This variant has not been reported in the literature in individuals affected with NF1-related conditions. Invitae Evidence Modeling of protein sequence and biophysical properties (such as structural, functional, and spatial information, amino acid conservation, physicochemical variation, residue mobility, and thermodynamic stability) indicates that this missense variant is not expected to disrupt NF1 protein function with a negative predictive value of 95%. This variant disrupts the p.Leu1624 amino acid residue in NF1. Other variant(s) that disrupt this residue have been determined to be pathogenic (internal data). This suggests that this residue is clinically significant, and that variants that disrupt this residue are likely to be disease-causing. In summary, the available evidence is currently insufficient to determine the role of this variant in disease. Therefore, it has been classified as a Variant of Uncertain Significance.